The following is an entry in ClinVar:

ClinVar aggregate classification (germline): Likely pathogenic (1 of 4 stars; one submission).

Conditions:
Rare genetic deafness. Identifiers: Orphanet 96210, MedGen C5680250.

Submission:

Laboratory for Molecular Medicine, Mass General Brigham Personalized Medicine
Classification: Likely pathogenic for Rare genetic deafness. Last evaluated: 2022-06-30. Review status: criteria provided, single submitter. Criteria: ACMG Guidelines, 2015. Collection method: clinical testing. Allele origin: germline.
Comment: The p.Leu251ThrfsX192 in MYO15A has not been previously reported in individuals with nonsyndromic hearing loss and was absent from large population studies. This variant is predicted to cause a frameshift, which alters the protein’s amino acid sequence beginning at position 251 and leads to a premature termination codon 192 amino acids downstream. Loss of function of the MYO15A gene is an established disease mechanism in autosomal recessive nonsyndromic hearing loss. In summary, although additional studies are required to fully establish its clinical significance, this variant meets criteria to be classified as likely pathogenic for autosomal recessive nonsyndromic hearing loss. ACMG/AMP criteria applied: PVS1, PM2_Supporting.

NM_016239.4(MYO15A):c.750_753del (p.Leu251fs)

Gene: MYO15A (myosin XVA; plus strand). Cytogenetic location: 17p11.2.
Variant type: Deletion.
Coding change: c.750_753del on transcript NM_016239.4 (MANE Select); coding-DNA positions 750 to 753, 4 bases deleted (ACTC; older notation c.750_753delACTC).
Protein change: p.Leu251fs; shifts the reading frame from leucine 251.
Molecular consequence: frameshift variant.
Genome position (GRCh38, 1-based): chr17:18,119,550-18,119,553, ACTC deleted; deleting any 4 consecutive bases within chr17:18,119,548-18,119,553 gives the same sequence; the c. name uses the placement nearest the transcript's 3' end. VCF-style (leftmost placement, unchanged base first): chr17-18119547-GTCAC-G. GRCh37 (hg19) VCF-style: chr17-18022861-GTCAC-G.
Other names: short protein forms L251fs.
Identifiers: ClinVar variation 3075868 (VCV003075868.1), dbSNP rs2545176178, ClinGen allele CA2825002449.
Genomic context (GRCh38, chr17:18,119,547, plus strand): 5'-CCAGGACCTGGGCGAGTATTATGACTATCACCGCGACGGCGACGACTACTACGACCGGCA[GTCAC>G]TCCACCGCTACGAGGAGCAGGAACCCTACCTGGCGGGCCTCGGCCCCTACAGCCCGGCCT-3'